The following is an entry in ClinVar:

NM_000336.3(SCNN1B):c.1513C>T (p.Arg505Cys)

Gene: SCNN1B (sodium channel epithelial 1 subunit beta; plus strand). Cytogenetic location: 16p12.2.
Variant type: single nucleotide variant.
Coding change: c.1513C>T on transcript NM_000336.3 (MANE Select); coding-DNA position 1513, C replaced by T.
Protein change: p.Arg505Cys; replaces arginine 505 with cysteine.
Molecular consequence: missense variant.
Genome position (GRCh38, 1-based): chr16:23,380,140, C>T. VCF-style: chr16-23380140-C-T. GRCh37 (hg19) VCF-style: chr16-23391461-C-T.
Other names: c.1405C>T, p.Arg469Cys (NM_001410900.1); short protein forms R469C, R505C.
Identifiers: ClinVar variation 1708327 (VCV001708327.2), dbSNP rs766620267, ClinGen allele CA7960553.

ClinVar aggregate classification (germline): Uncertain significance (1 of 4 stars; one submission).

Conditions:
Fanconi renotubular syndrome 4 with maturity-onset diabetes of the young (FRTS4). Also called: FRTS4 WITH MODY. Identifiers: Orphanet 93111, MedGen C4014962, MONDO:0014458, OMIM 616026.

Allele frequency attached by ClinVar (database versions not stated): ExAC 0.00001.

Submission:

Centre of Medical Genetics, University Hospital Muenster
Classification: Uncertain significance for Fanconi renotubular syndrome 4 with maturity-onset diabetes of the young. Last evaluated: 2021-12-10. Review status: criteria provided, single submitter. Criteria: ACMG Guidelines, 2015. Collection method: clinical testing. Allele origin: unknown. Affected: yes. Observed: 1 variant allele, 1 heterozygote.
Comment: ACMG categories: PM1,PM2,PP3